The following is an entry in ClinVar:

ClinVar aggregate classification (germline): Uncertain significance (1 of 4 stars; one submission).

Conditions:
Epidermolysis bullosa simplex, Ogna type (EBS5A). Also called: Pidermolysis bullosa simplex 5A, Ogna type; EPIDERMOLYSIS BULLOSA SIMPLEX 5A, OGNA TYPE. Identifiers: Orphanet 79401, MedGen C0432317, MONDO:0007555, OMIM 131950.
Autosomal recessive limb-girdle muscular dystrophy type 2Q (LGMDR17). Also called: MUSCULAR DYSTROPHY, LIMB-GIRDLE, AUTOSOMAL RECESSIVE 17. Identifiers: Orphanet 254361, MedGen C3150989, MONDO:0013390, OMIM 613723.
Epidermolysis bullosa simplex with nail dystrophy (EBS5D). Identifiers: MedGen C4225309, MONDO:0014661, OMIM 616487.
Epidermolysis bullosa simplex 5B, with muscular dystrophy (EBS5B). Also called: Epidermolysis bullosa simplex with muscular dystrophy; EPIDERMOLYSIS BULLOSA SIMPLEX AND LIMB-GIRDLE MUSCULAR DYSTROPHY. Identifiers: Orphanet 257, MedGen C2931072, MONDO:0009181, OMIM 226670.
Epidermolysis bullosa simplex 5C, with pyloric atresia (EBS5C). Also called: PLEC-Related Epidermolysis Bullosa with Pyloric Atresia; Epidermolysis bullosa simplex with pyloric atresia; PLEC1-Related Epidermolysis Bullosa with Pyloric Atresia. Identifiers: Orphanet 158684, MedGen C2677349, MONDO:0012807, OMIM 612138.

Allele frequency attached by ClinVar (database versions not stated): ExAC 0.00007.
gnomAD v4.1: 16 of 1,582,978 alleles (0.001%); highest among the groups gnomAD compares: East Asian, 0.0069%; no homozygotes.

Submission:

Labcorp Genetics (formerly Invitae), Labcorp
Classification: Uncertain significance for Autosomal recessive limb-girdle muscular dystrophy type 2Q; Epidermolysis bullosa simplex, Ogna type; Epidermolysis bullosa simplex with nail dystrophy; Epidermolysis bullosa simplex 5C, with pyloric atresia; Epidermolysis bullosa simplex 5B, with muscular dystrophy. Last evaluated: 2023-12-07. Review status: criteria provided, single submitter. Criteria: Invitae Variant Classification Sherloc (09022015). Collection method: clinical testing. Allele origin: germline.
Comment: This sequence change replaces valine, which is neutral and non-polar, with methionine, which is neutral and non-polar, at codon 1199 of the PLEC protein (p.Val1199Met). The frequency data for this variant in the population databases is considered unreliable, as metrics indicate poor data quality at this position in the gnomAD database. This variant has not been reported in the literature in individuals affected with PLEC-related conditions. ClinVar contains an entry for this variant (Variation ID: 643865). Advanced modeling of protein sequence and biophysical properties (such as structural, functional, and spatial information, amino acid conservation, physicochemical variation, residue mobility, and thermodynamic stability) performed at Invitae indicates that this missense variant is not expected to disrupt PLEC protein function with a negative predictive value of 80%. In summary, the available evidence is currently insufficient to determine the role of this variant in disease. Therefore, it has been classified as a Variant of Uncertain Significance.

NM_201384.3(PLEC):c.3514G>A (p.Val1172Met)

Gene: PLEC (plectin; minus strand). Cytogenetic location: 8q24.3.
Variant type: single nucleotide variant.
Coding change: c.3514G>A on transcript NM_201384.3 (MANE Select); coding-DNA position 3514, G replaced by A.
Protein change: p.Val1172Met; replaces valine 1172 with methionine.
Molecular consequence: missense variant.
Genome position (GRCh38, 1-based): chr8:143,927,652, C>T on the plus strand (G>A on the coding strand, the complement: PLEC is on the minus strand). VCF-style: chr8-143927652-C-T. GRCh37 (hg19) VCF-style: chr8-145001820-C-T.
Other names: c.3595G>A, p.Val1199Met (NM_000445.5); c.3472G>A, p.Val1158Met (NM_201378.4); c.3448G>A, p.Val1150Met (NM_201379.3); c.3925G>A, p.Val1309Met (NM_201380.4); c.3418G>A, p.Val1140Met (NM_201381.3); c.3514G>A, p.Val1172Met (NM_201382.4); c.3526G>A, p.Val1176Met (NM_201383.3); short protein forms V1140M, V1176M, V1150M, V1158M, V1309M, V1172M, V1199M.
Identifiers: ClinVar variation 643865 (VCV000643865.8), dbSNP rs3134599, ClinGen allele CA4927034.